The following is an entry in ClinVar:

NM_001190274.2(FBXO11):c.2672G>A (p.Gly891Asp)

Genes: FBXO11 (F-box protein 11; minus strand), MSH6 (mutS homolog 6; plus strand). Cytogenetic location: 2p16.3.
Variant type: single nucleotide variant.
Coding change: c.2672G>A on transcript NM_001190274.2 (MANE Select); coding-DNA position 2672, G replaced by A.
Protein change: p.Gly891Asp; replaces glycine 891 with aspartic acid.
Molecular consequence: missense variant. On other transcripts: intron variant (6).
Genome position (GRCh38, 1-based): chr2:47,808,230, C>T on the plus strand (G>A on the coding strand, the complement: FBXO11 is on the minus strand). VCF-style: chr2-47808230-C-T. GRCh37 (hg19) VCF-style: chr2-48035369-C-T.
Other names: c.2420G>A, p.Gly807Asp (NM_001374325.1, NM_025133.4); c.*43+1327C>T (NM_001406809.1); c.*40+1330C>T (NM_001406796.1, NM_001406811.1, NM_001406805.1 and 2 more transcripts); short protein forms G807D, G891D.
Identifiers: ClinVar variation 4837755 (VCV004837755.1).
Genomic context (GRCh38, chr2:47,808,230, plus strand): 5'-GTATCTGTATCATGTGTAGGCTCACCAGCTAATGTACAAGGATTAGACAGTGTTCCAGCA[C>T]CACAGTCACAGAAAAACCTAAAGCAAAATGAAACCCAAATATTAGAAAAGTGAGGGGGAA-3'
Protein context (NP_001177203.1, residues 881-901): IRHDRFFCDC[Gly891Asp]AGTLSNPCTL

ClinVar aggregate classification (germline): Uncertain significance (1 of 4 stars; one submission).

Conditions:
Inborn genetic diseases. Identifiers: MedGen C0950123, MeSH D030342.

Submission:

Ambry Genetics
Classification: Uncertain significance for Inborn genetic diseases. Last evaluated: 2025-12-31. Review status: criteria provided, single submitter. Criteria: Ambry Variant Classification Scheme 2023. Collection method: clinical testing. Allele origin: germline.
Comment: The c.2672G>A (p.G891D) alteration is located in exon 23 (coding exon 23) of the FBXO11 gene. This alteration results from a G to A substitution at nucleotide position 2672, causing the glycine (G) at amino acid position 891 to be replaced by an aspartic acid (D). This variant was not reported in population-based cohorts in the Genome Aggregation Database (gnomAD). This amino acid position is highly conserved in available vertebrate species. This missense alteration is located in a region that has a low rate of benign missense variation (Lek, 2016; Firth, 2009). This alteration is predicted to be deleterious by in silico analysis. Based on insufficient or conflicting evidence, the clinical significance of this alteration remains unclear.